The following is an entry in ClinVar:

ClinVar aggregate classification (germline): Pathogenic (1 of 4 stars; one submission).

Conditions:
Duchenne muscular dystrophy (DMD). Also called: Duchenne Muscular Dystrophy (DMD); MUSCULAR DYSTROPHY, PSEUDOHYPERTROPHIC PROGRESSIVE, DUCHENNE TYPE. Identifiers: Orphanet 98896, MedGen C0013264, MONDO:0010679, OMIM 310200.

Submission:

Labcorp Genetics (formerly Invitae), Labcorp
Classification: Pathogenic for Duchenne muscular dystrophy. Last evaluated: 2021-04-14. Review status: criteria provided, single submitter. Criteria: Invitae Variant Classification Sherloc (09022015). Collection method: clinical testing. Allele origin: germline.
Comment: This variant results in a copy number gain of the genomic region encompassing exon(s) 46-47 of the DMD gene. While the exact position of this variant cannot be determined from the data, sub-genic copy number gains are generally in tandem (PMID: 25640679). This variant is predicted to be out-of-frame, and may result in an absent or disrupted protein product. Loss-of-function variants in DMD are known to be pathogenic (PMID: 16770791, 25007885). A similar copy number ‚Äãvariant has been observed in individual(s) with Duchenne muscular dystrophy (PMID: 16917894, 31705731) For these reasons, this variant has been classified as Pathogenic.

Literature cited by the submitters: PubMed 25640679; PubMed 16770791; PubMed 25007885; PubMed 16917894; PubMed 31705731.

NC_000023.10:g.(?_31947693)_(31950364_?)dup

Gene: DMD (dystrophin; minus strand). Cytogenetic location: Xp21.1.
Variant type: Duplication.
Identifiers: ClinVar variation 2424975 (VCV002424975.5).